The following is an entry in ClinVar:

ClinVar aggregate classification (germline): Uncertain significance (1 of 4 stars; one submission).

gnomAD v4.1: 7 of 1,559,340 alleles (0.00045%); highest among the groups gnomAD compares: Non-Finnish European, 0.00052%; no homozygotes.

Submission:

Women's Health and Genetics/Laboratory Corporation of America, LabCorp
Classification: Uncertain significance. Last evaluated: 2024-05-10. Review status: criteria provided, single submitter. Criteria: LabCorp Variant Classification Summary - May 2015. Collection method: clinical testing. Allele origin: germline.
Comment: Variant summary: EED c.122C>T (p.Ala41Val) results in a non-conservative amino acid change in the encoded protein sequence. Three of five in-silico tools predict a benign effect of the variant on protein function. The variant allele was found at a frequency of 9.7e-06 in 205858 control chromosomes. The available data on variant occurrences in the general population are insufficient to allow any conclusion about variant significance. To our knowledge, no occurrence of c.122C>T in individuals affected with Cohen-Gibson Syndrome and no experimental evidence demonstrating its impact on protein function have been reported. No submitters have cited clinical-significance assessments for this variant to ClinVar. Based on the evidence outlined above, the variant was classified as uncertain significance.

NM_003797.5(EED):c.122C>T (p.Ala41Val)

Gene: EED (embryonic ectoderm development; plus strand). Cytogenetic location: 11q14.2.
Variant type: single nucleotide variant.
Coding change: c.122C>T on transcript NM_003797.5 (MANE Select); coding-DNA position 122, C replaced by T.
Protein change: p.Ala41Val; replaces alanine 41 with valine.
Molecular consequence: missense variant.
Genome position (GRCh38, 1-based): chr11:86,250,303, C>T. VCF-style: chr11-86250303-C-T. GRCh37 (hg19) VCF-style: chr11-85961345-C-T.
Other names: c.122C>T, p.Ala41Val (NM_001308007.2, NM_001330334.2); short protein forms A41V.
Identifiers: ClinVar variation 3336037 (VCV003336037.1).
Genomic context (GRCh38, chr11:86,250,303, plus strand): 5'-GCTAAAAACAGTATTGCTGTTTCATGTAATTTTTCCTCATTTACTGCTTACAGGATGACG[C>T]TGTCAGTATAGAAAGTGGTACAAACACTGAACGCCCTGATACACCTACAAACACGCCAAA-3'
Protein context (NP_003788.2, residues 31-51): PDLSGDENDD[Ala41Val]VSIESGTNTE